The following is an entry in ClinVar:

ClinVar aggregate classification (germline): Benign (1 of 4 stars; one submission).

Conditions:
Hemochromatosis type 4 (HFE4). Also called: HEMOCHROMATOSIS DUE TO DEFECT IN FERROPORTIN; HEMOCHROMATOSIS, AUTOSOMAL DOMINANT; Ferroportin disease. Identifiers: Orphanet 139491, Orphanet 647834, Orphanet 648562, MedGen C1853733, MONDO:0011631, OMIM 606069.

Allele frequency attached by ClinVar (database versions not stated): 1000 Genomes Project 0.00020; 1000 Genomes Project 30x 0.00031; ExAC 0.00055; TOPMed 0.00057; gnomAD exomes 0.00058 and 0.00074; gnomAD 0.00065 and 0.00069; ESP Exome Variant Server 0.00069.
gnomAD v4.1: 1,062 of 1,471,416 alleles (0.072%); highest among the groups gnomAD compares: Non-Finnish European, 0.088%; 1 homozygote.

Submission:

Illumina Laboratory Services, Illumina
Classification: Benign for Hemochromatosis type 4. Last evaluated: 2018-01-12. Review status: criteria provided, single submitter. Criteria: ICSL Variant Classification Criteria 13 December 2019. Collection method: clinical testing. Allele origin: germline.
Comment: This variant was observed in the ICSL laboratory as part of a predisposition screen in an ostensibly healthy population. It had not been previously curated by ICSL or reported in the Human Gene Mutation Database (HGMD: prior to June 1st, 2018), and was therefore a candidate for classification through an automated scoring system. Utilizing variant allele frequency, disease prevalence and penetrance estimates, and inheritance mode, an automated score was calculated to assess if this variant is too frequent to cause the disease. Based on the score and internal cut-off values, a variant classified as benign is not then subjected to further curation. The score for this variant resulted in a classification of benign for this disease.

NM_014585.6(SLC40A1):c.*50G>A

Gene: SLC40A1 (solute carrier family 40 member 1; minus strand). Cytogenetic location: 2q32.2.
Variant type: single nucleotide variant.
Coding change: c.*50G>A on transcript NM_014585.6 (MANE Select); 50 bases downstream of the stop codon, G replaced by A.
Molecular consequence: 3 prime UTR variant.
Genome position (GRCh38, 1-based): chr2:189,561,828, C>T on the plus strand (G>A on the coding strand, the complement: SLC40A1 is on the minus strand). VCF-style: chr2-189561828-C-T. GRCh37 (hg19) VCF-style: chr2-190426554-C-T.
Identifiers: ClinVar variation 333160 (VCV000333160.5), dbSNP rs201805867, ClinGen allele CA2024023.